The following is an entry in ClinVar:

NM_001077525.3(MTMR14):c.322G>A (p.Val108Ile)

Gene: MTMR14 (myotubularin related protein 14; plus strand). Cytogenetic location: 3p25.3.
Variant type: single nucleotide variant.
Coding change: c.322G>A on transcript NM_001077525.3 (MANE Select); coding-DNA position 322, G replaced by A.
Protein change: p.Val108Ile; replaces valine 108 with isoleucine.
Molecular consequence: missense variant. On other transcripts: 5 prime UTR variant (14), non-coding transcript variant (7), intron variant (7).
Genome position (GRCh38, 1-based): chr3:9,662,280, G>A. VCF-style: chr3-9662280-G-A. GRCh37 (hg19) VCF-style: chr3-9703964-G-A.
Other names: c.322G>A, p.Val108Ile (NM_001077526.3, NM_001400519.1, NM_001400520.1 and 4 more transcripts); c.391G>A, p.Val131Ile (NM_001400518.1, NM_001400521.1, NM_001400526.1); c.40G>A, p.Val14Ile (NM_001400525.1, NM_001400529.1, NM_001400532.1 and 1 more transcripts); c.-184G>A (NM_001400533.1, NM_001400535.1, NM_001400539.1 and 1 more transcripts); c.-245G>A (NM_001400534.1, NM_001400538.1, NM_001400541.1 and 3 more transcripts); c.-155G>A (NM_001400543.1); c.-257G>A (NM_001400544.1); c.-394G>A (NM_001400547.1); and 4 more; short protein forms V108I, V131I, V14I.
Identifiers: ClinVar variation 2080109 (VCV002080109.4), dbSNP rs764999122, ClinGen allele CA2240250.
Genomic context (GRCh38, chr3:9,662,280, plus strand): 5'-GCCCACTTCAAAGTCAGCTTGACCTGCTTCTCTTGCCTGTGTGTTAGGTTTGAGAGTACC[G>A]TACAGGTGAGCAAGTTGCAAGACCTCATCCACCGCAGCAAGATGGCCCGGTGCAGAGGAC-3'
Protein context (NP_001070993.1, residues 98-118): EKEKDTFEST[Val108Ile]QVSKLQDLIH

ClinVar aggregate classification (germline): Uncertain significance (1 of 4 stars; one submission).

Allele frequency attached by ClinVar (database versions not stated): TOPMed 0.00001; gnomAD 0.00002; ExAC 0.00001; gnomAD exomes 0.00001.
gnomAD v4.1: 25 of 1,612,872 alleles (0.0016%); highest among the groups gnomAD compares: African/African-American, 0.0054%; no homozygotes.

Submission:

Labcorp Genetics (formerly Invitae), Labcorp
Classification: Uncertain significance. Last evaluated: 2025-12-03. Review status: criteria provided, single submitter. Criteria: Invitae Variant Classification Sherloc (09022015). Collection method: clinical testing. Allele origin: germline.
Comment: This sequence change replaces valine, which is neutral and non-polar, with isoleucine, which is neutral and non-polar, at codon 108 of the MTMR14 protein (p.Val108Ile). This variant is present in population databases (rs764999122, gnomAD 0.006%). This variant has not been reported in the literature in individuals affected with MTMR14-related conditions. ClinVar contains an entry for this variant (Variation ID: 2080109). Invitae Evidence Modeling of protein sequence and biophysical properties (such as structural, functional, and spatial information, amino acid conservation, physicochemical variation, residue mobility, and thermodynamic stability) indicates that this missense variant is not expected to disrupt MTMR14 protein function with a negative predictive value of 80%. In summary, the available evidence is currently insufficient to determine the role of this variant in disease. Therefore, it has been classified as a Variant of Uncertain Significance.